The following is an entry in ClinVar:

ClinVar aggregate classification (germline): Uncertain significance (1 of 4 stars; one submission).

Submission:

Labcorp Genetics (formerly Invitae), Labcorp
Classification: Uncertain significance. Last evaluated: 2024-07-04. Review status: criteria provided, single submitter. Criteria: Invitae Variant Classification Sherloc (09022015). Collection method: clinical testing. Allele origin: germline.
Comment: This sequence change replaces methionine, which is neutral and non-polar, with threonine, which is neutral and polar, at codon 164 of the C3 protein (p.Met164Thr). This variant is present in population databases (rs746775340, gnomAD 0.003%). This variant has not been reported in the literature in individuals affected with C3-related conditions. Advanced modeling of protein sequence and biophysical properties (such as structural, functional, and spatial information, amino acid conservation, physicochemical variation, residue mobility, and thermodynamic stability) performed at Invitae indicates that this missense variant is not expected to disrupt C3 protein function with a negative predictive value of 80%. In summary, the available evidence is currently insufficient to determine the role of this variant in disease. Therefore, it has been classified as a Variant of Uncertain Significance.

NM_000064.4(C3):c.491T>C (p.Met164Thr)

Gene: C3 (complement C3; minus strand). Cytogenetic location: 19p13.3.
Variant type: single nucleotide variant.
Coding change: c.491T>C on transcript NM_000064.4 (MANE Select); coding-DNA position 491, T replaced by C.
Protein change: p.Met164Thr; replaces methionine 164 with threonine.
Molecular consequence: missense variant.
Genome position (GRCh38, 1-based): chr19:6,718,107, A>G on the plus strand (T>C on the coding strand, the complement: C3 is on the minus strand). VCF-style: chr19-6718107-A-G. GRCh37 (hg19) VCF-style: chr19-6718118-A-G.
Other names: short protein forms M164T.
Identifiers: ClinVar variation 3617282 (VCV003617282.2).